The following is an entry in ClinVar:

ClinVar aggregate classification (germline): Likely benign. Review status: criteria provided, multiple submitters, no conflicts (2 of 4 stars). 3 submissions from 3 submitters: Likely benign (2). 1 of the submissions does not count toward it. Last evaluated 2024-10-03.

Conditions:
ANKLE2-related disorder. Also called: ANKLE2-related condition.

Allele frequency attached by ClinVar (database versions not stated): gnomAD 0.00001 and 0.00002; gnomAD exomes 0.00001 and 0.00005; ExAC 0.00003; TOPMed 0.00003; ESP Exome Variant Server 0.00008; 1000 Genomes Project 0.00020; 1000 Genomes Project 30x 0.00031.
gnomAD v4.1: 73 of 1,612,862 alleles (0.0045%); highest among the groups gnomAD compares: Middle Eastern, 0.017%; no homozygotes.

Submissions (3):

Blueprint Genetics
Classification: Likely benign. Last evaluated: 2024-10-03. Review status: criteria provided, single submitter. Criteria: ACMG Guidelines, 2015. Collection method: clinical testing. Allele origin: germline.

Labcorp Genetics (formerly Invitae), Labcorp
Classification: Likely benign. Last evaluated: 2018-08-07. Review status: criteria provided, single submitter. Criteria: Invitae Variant Classification Sherloc (09022015). Collection method: clinical testing. Allele origin: germline.

PreventionGenetics, part of Exact Sciences
Classification: Likely benign for ANKLE2-related condition. Last evaluated: 2019-05-23. Review status: no assertion criteria provided. Collection method: clinical testing. Allele origin: germline. Not counted in ClinVar's aggregate classification.
Comment: This variant is classified as likely benign based on ACMG/AMP sequence variant interpretation guidelines (Richards et al. 2015 PMID: 25741868, with internal and published modifications).

NM_015114.3(ANKLE2):c.1473C>T (p.Ile491=)

Gene: ANKLE2 (ankyrin repeat and LEM domain containing 2; minus strand). Cytogenetic location: 12q24.33.
Variant type: single nucleotide variant.
Coding change: c.1473C>T on transcript NM_015114.3 (MANE Select); coding-DNA position 1473, C replaced by T.
Protein change: p.Ile491=; no amino-acid change (isoleucine 491 retained).
Molecular consequence: synonymous variant.
Genome position (GRCh38, 1-based): chr12:132,737,013, G>A on the plus strand (C>T on the coding strand, the complement: ANKLE2 is on the minus strand). VCF-style: chr12-132737013-G-A. GRCh37 (hg19) VCF-style: chr12-133313599-G-A.
Identifiers: ClinVar variation 747923 (VCV000747923.6), dbSNP rs368882497, ClinGen allele CA6895587.